The following is an entry in ClinVar:

ClinVar aggregate classification (germline): Uncertain significance (1 of 4 stars; one submission).

Allele frequency attached by ClinVar (database versions not stated): gnomAD exomes below 0.00001.
gnomAD v4.1: 1 of 1,614,004 alleles (0.000062%); highest among the groups gnomAD compares: African/African-American, 0.0013%; no homozygotes.

Submission:

Labcorp Genetics (formerly Invitae), Labcorp
Classification: Uncertain significance. Last evaluated: 2022-07-15. Review status: criteria provided, single submitter. Criteria: Invitae Variant Classification Sherloc (09022015). Collection method: clinical testing. Allele origin: germline.
Comment: This sequence change replaces serine, which is neutral and polar, with threonine, which is neutral and polar, at codon 231 of the PDHX protein (p.Ser231Thr). This variant is not present in population databases (gnomAD no frequency). This variant has not been reported in the literature in individuals affected with PDHX-related conditions. Algorithms developed to predict the effect of missense changes on protein structure and function output the following: SIFT: "Tolerated"; PolyPhen-2: "Benign"; Align-GVGD: "Class C0". The threonine amino acid residue is found in multiple mammalian species, which suggests that this missense change does not adversely affect protein function. In summary, the available evidence is currently insufficient to determine the role of this variant in disease. Therefore, it has been classified as a Variant of Uncertain Significance.

NM_003477.3(PDHX):c.691T>A (p.Ser231Thr)

Gene: PDHX (pyruvate dehydrogenase complex component X; plus strand). Cytogenetic location: 11p13.
Variant type: single nucleotide variant.
Coding change: c.691T>A on transcript NM_003477.3 (MANE Select); coding-DNA position 691, T replaced by A.
Protein change: p.Ser231Thr; replaces serine 231 with threonine.
Molecular consequence: missense variant. On other transcripts: intron variant (1).
Genome position (GRCh38, 1-based): chr11:34,966,689, T>A. VCF-style: chr11-34966689-T-A. GRCh37 (hg19) VCF-style: chr11-34988236-T-A.
Other names: c.511T>A, p.Ser171Thr (NM_001135024.2); c.343-17881T>A (NM_001166158.2); short protein forms S231T, S171T.
Identifiers: ClinVar variation 1974810 (VCV001974810.5), dbSNP rs2494720970, ClinGen allele CA380120585.